The following is an entry in ClinVar:

ClinVar aggregate classification (germline): Pathogenic (1 of 4 stars; one submission).

Conditions:
Long QT syndrome (LQTS). Identifiers: MedGen C0023976, MeSH D008133, MONDO:0002442. Disease mechanism: loss of function. Inheritance: Various modes of inheritance.

Submission:

Labcorp Genetics (formerly Invitae), Labcorp
Classification: Pathogenic for Long QT syndrome. Last evaluated: 2024-04-25. Review status: criteria provided, single submitter. Criteria: Invitae Variant Classification Sherloc (09022015). Collection method: clinical testing. Allele origin: germline.
Comment: This sequence change creates a premature translational stop signal (p.Asp286Thrfs*74) in the KCNH2 gene. It is expected to result in an absent or disrupted protein product. Loss-of-function variants in KCNH2 are known to be pathogenic (PMID: 10973849, 19862833). This variant is not present in population databases (gnomAD no frequency). This variant has not been reported in the literature in individuals affected with KCNH2-related conditions. For these reasons, this variant has been classified as Pathogenic.

Literature cited by the submitters: PubMed 10973849; PubMed 19862833.

NM_000238.4(KCNH2):c.855del (p.Asp286fs)

Gene: KCNH2 (potassium voltage-gated channel subfamily H member 2; minus strand). Cytogenetic location: 7q36.1.
Variant type: Deletion.
Coding change: c.855del on transcript NM_000238.4 (MANE Select); coding-DNA position 855, one base deleted (C; older notation c.855delC).
Protein change: p.Asp286fs; shifts the reading frame from aspartic acid 286.
Molecular consequence: frameshift variant. On other transcripts: non-coding transcript variant (1).
Genome position (GRCh38, 1-based): chr7:150,958,120, G deleted on the plus strand (C on the coding strand, the reverse complement: KCNH2 is on the minus strand); the first of 2 consecutive G bases (chr7:150,958,120-150,958,121); deleting either gives the same sequence. VCF-style (leftmost placement, unchanged base first): chr7-150958119-CG-C. GRCh37 (hg19) VCF-style: chr7-150655207-CG-C.
Other names: c.567del, p.Asp190fs (NM_001406753.1, NM_001406756.1); c.678del, p.Asp227fs (NM_001406755.1); c.555del, p.Asp186fs (NM_001406757.1); c.855del, p.Asp286fs (NM_172056.3); short protein forms D186fs, D227fs, D190fs, D286fs.
Identifiers: ClinVar variation 3651113 (VCV003651113.2).